The following is an entry in ClinVar:

ClinVar aggregate classification (germline): Uncertain significance (1 of 4 stars; one submission).

Conditions:
Birt-Hogg-Dube syndrome. Also called: Birt Hogg Dubé syndrome. Identifiers: Orphanet 122, MedGen C0346010, MONDO:0800444.

Submission:

Labcorp Genetics (formerly Invitae), Labcorp
Classification: Uncertain significance for Birt-Hogg-Dube syndrome. Last evaluated: 2021-08-31. Review status: criteria provided, single submitter. Criteria: Invitae Variant Classification Sherloc (09022015). Collection method: clinical testing. Allele origin: germline.
Comment: This sequence change replaces alanine with glutamic acid at codon 475 of the FLCN protein (p.Ala475Glu). The alanine residue is moderately conserved and there is a moderate physicochemical difference between alanine and glutamic acid. This variant is not present in population databases (ExAC no frequency). This variant has not been reported in the literature in individuals affected with FLCN-related conditions. Algorithms developed to predict the effect of missense changes on protein structure and function (SIFT, PolyPhen-2, Align-GVGD) all suggest that this variant is likely to be tolerated. In summary, the available evidence is currently insufficient to determine the role of this variant in disease. Therefore, it has been classified as a Variant of Uncertain Significance.

NM_144997.7(FLCN):c.1424C>A (p.Ala475Glu)

Gene: FLCN (folliculin; minus strand). Cytogenetic location: 17p11.2.
Variant type: single nucleotide variant.
Coding change: c.1424C>A on transcript NM_144997.7 (MANE Select); coding-DNA position 1424, C replaced by A.
Protein change: p.Ala475Glu; replaces alanine 475 with glutamic acid.
Molecular consequence: missense variant.
Genome position (GRCh38, 1-based): chr17:17,215,193, G>T on the plus strand (C>A on the coding strand, the complement: FLCN is on the minus strand). VCF-style: chr17-17215193-G-T. GRCh37 (hg19) VCF-style: chr17-17118507-G-T.
Other names: c.1478C>A, p.Ala493Glu (NM_001353229.2); c.1424C>A, p.Ala475Glu (NM_001353230.2, NM_001353231.2); short protein forms A475E, A493E.
Identifiers: ClinVar variation 1059403 (VCV001059403.2), dbSNP rs2144836805, ClinGen allele CA398531100.